The following is an entry in ClinVar:

ClinVar aggregate classification (germline): Uncertain significance (1 of 4 stars; one submission).

Conditions:
Cardiovascular phenotype. Identifiers: MedGen CN230736.

Submission:

Ambry Genetics
Classification: Uncertain significance for Cardiovascular phenotype. Last evaluated: 2021-11-19. Review status: criteria provided, single submitter. Criteria: Ambry Variant Classification Scheme 2023. Collection method: clinical testing. Allele origin: germline.
Comment: The p.S3515R variant (also known as c.10545T>A), located in coding exon 26 of the APOB gene, results from a T to A substitution at nucleotide position 10545. The serine at codon 3515 is replaced by arginine, an amino acid with dissimilar properties. This amino acid position is conserved. In addition, this alteration is predicted to be tolerated by in silico analysis. Since supporting evidence is limited at this time, the clinical significance of this alteration remains unclear.

NM_000384.3(APOB):c.10545T>A (p.Ser3515Arg)

Gene: APOB (apolipoprotein B; minus strand). Cytogenetic location: 2p24.1.
Variant type: single nucleotide variant.
Coding change: c.10545T>A on transcript NM_000384.3 (MANE Select); coding-DNA position 10545, T replaced by A.
Protein change: p.Ser3515Arg; replaces serine 3515 with arginine.
Molecular consequence: missense variant.
Genome position (GRCh38, 1-based): chr2:21,006,323, A>T on the plus strand (T>A on the coding strand, the complement: APOB is on the minus strand). VCF-style: chr2-21006323-A-T. GRCh37 (hg19) VCF-style: chr2-21229195-A-T.
Other names: short protein forms S3515R.
Identifiers: ClinVar variation 1777995 (VCV001777995.2), dbSNP rs1444192254, ClinGen allele CA345986273.